The following is an entry in ClinVar:

ClinVar aggregate classification (germline): Uncertain significance. Review status: criteria provided, multiple submitters, no conflicts (2 of 4 stars). 2 submissions from 2 submitters: Uncertain significance (2). Last evaluated 2024-04-26.

Conditions:
Spondyloepimetaphyseal dysplasia, PAPSS2 type. Also called: SEMD, PAKISTANI TYPE; BRACHYOLMIA TYPE 4 WITH MILD EPIPHYSEAL AND METAPHYSEAL CHANGES; SPONDYLODYSPLASIA AND PREMATURE PUBARCHE. Identifiers: Orphanet 93282, MedGen C2748516, MONDO:0019666, OMIM 612847.

Allele frequency attached by ClinVar (database versions not stated): gnomAD 0.00001; TOPMed 0.00001; ExAC 0.00002; gnomAD exomes 0.00002.
gnomAD v4.1: 133 of 1,612,842 alleles (0.0082%); highest among the groups gnomAD compares: Non-Finnish European, 0.011%; no homozygotes.

Submissions (2):

Blueprint Genetics
Classification: Uncertain significance. Last evaluated: 2024-04-26. Review status: criteria provided, single submitter. Criteria: ACMG Guidelines, 2015. Collection method: clinical testing. Allele origin: germline.

Labcorp Genetics (formerly Invitae), Labcorp
Classification: Uncertain significance for Spondyloepimetaphyseal dysplasia, PAPSS2 type. Last evaluated: 2022-05-27. Review status: criteria provided, single submitter. Criteria: Invitae Variant Classification Sherloc (09022015). Collection method: clinical testing. Allele origin: germline.
Comment: This sequence change replaces arginine, which is basic and polar, with tryptophan, which is neutral and slightly polar, at codon 273 of the PAPSS2 protein (p.Arg273Trp). This variant is present in population databases (rs750018545, gnomAD 0.004%). This variant has not been reported in the literature in individuals affected with PAPSS2-related conditions. Algorithms developed to predict the effect of missense changes on protein structure and function are either unavailable or do not agree on the potential impact of this missense change (SIFT: "Deleterious"; PolyPhen-2: "Probably Damaging"; Align-GVGD: "Class C15"). In summary, the available evidence is currently insufficient to determine the role of this variant in disease. Therefore, it has been classified as a Variant of Uncertain Significance.

NM_001015880.2(PAPSS2):c.817C>T (p.Arg273Trp)

Gene: PAPSS2 (3'-phosphoadenosine 5'-phosphosulfate synthase 2; plus strand). Cytogenetic location: 10q23.31.
Variant type: single nucleotide variant.
Coding change: c.817C>T on transcript NM_001015880.2 (MANE Select); coding-DNA position 817, C replaced by T.
Protein change: p.Arg273Trp; replaces arginine 273 with tryptophan.
Molecular consequence: missense variant.
Genome position (GRCh38, 1-based): chr10:87,715,795, C>T. VCF-style: chr10-87715795-C-T. GRCh37 (hg19) VCF-style: chr10-89475552-C-T.
Other names: c.817C>T, p.Arg273Trp (NM_004670.4); short protein forms R273W.
Identifiers: ClinVar variation 1357958 (VCV001357958.9), dbSNP rs750018545, ClinGen allele CA5589561.
Genomic context (GRCh38, chr10:87,715,795, plus strand): 5'-GATCTCCAGTGGGTCCAGGTTTTGAGCGAAGGCTGGGCCACTCCCCTCAAAGGTTTCATG[C>T]GGGAGAAGGAGTACTTACAGGTTATGCACTTTGACACCCTGCTAGATGGTATGTTTTTGT-3'
Protein context (NP_001015880.1, residues 263-283): GWATPLKGFM[Arg273Trp]EKEYLQVMHF